The following is an entry in ClinVar:

NM_019032.6(ADAMTSL4):c.716A>G (p.Glu239Gly)

Genes: ADAMTSL4 (ADAMTS like 4; plus strand), ADAMTSL4-AS2 (ADAMTSL4 antisense RNA 2; minus strand). Cytogenetic location: 1q21.2.
Variant type: single nucleotide variant.
Coding change: c.716A>G on transcript NM_019032.6 (MANE Select); coding-DNA position 716, A replaced by G.
Protein change: p.Glu239Gly; replaces glutamic acid 239 with glycine.
Molecular consequence: missense variant.
Genome position (GRCh38, 1-based): chr1:150,553,707, A>G. VCF-style: chr1-150553707-A-G. GRCh37 (hg19) VCF-style: chr1-150526183-A-G.
Other names: c.716A>G, p.Glu239Gly (NM_001288607.2, NM_001288608.2, NM_001378596.1 and 1 more transcripts); short protein forms E239G.
Identifiers: ClinVar variation 1948819 (VCV001948819.5), dbSNP rs2526609202, ClinGen allele CA342301921.

ClinVar aggregate classification (germline): Uncertain significance (1 of 4 stars; one submission).

Submission:

Labcorp Genetics (formerly Invitae), Labcorp
Classification: Uncertain significance. Last evaluated: 2021-12-19. Review status: criteria provided, single submitter. Criteria: Invitae Variant Classification Sherloc (09022015). Collection method: clinical testing. Allele origin: germline.
Comment: This variant is not present in population databases (gnomAD no frequency). This sequence change replaces glutamic acid, which is acidic and polar, with glycine, which is neutral and non-polar, at codon 239 of the ADAMTSL4 protein (p.Glu239Gly). This variant has not been reported in the literature in individuals affected with ADAMTSL4-related conditions. Algorithms developed to predict the effect of missense changes on protein structure and function output the following: SIFT: "Deleterious"; PolyPhen-2: "Benign"; Align-GVGD: "Class C0". The glycine amino acid residue is found in multiple mammalian species, which suggests that this missense change does not adversely affect protein function. In summary, the available evidence is currently insufficient to determine the role of this variant in disease. Therefore, it has been classified as a Variant of Uncertain Significance.